The following is an entry in ClinVar:

ClinVar aggregate classification (germline): Uncertain significance (1 of 4 stars; one submission).

Conditions:
Ehlers-Danlos syndrome, classic type, 1 (EDSCL1). Also called: EHLERS-DANLOS SYNDROME, GRAVIS TYPE; EHLERS-DANLOS SYNDROME, SEVERE CLASSIC TYPE; Ehlers-Danlos syndrome, type 1; EDS I; Ehlers-Danlos Syndrome, Classic Type, COL5A1-Related. Identifiers: MedGen C0268335, MONDO:0019567, OMIM 130000.
Osteogenesis imperfecta type I (OI1). Also called: OI, TYPE I; OSTEOGENESIS IMPERFECTA TARDA; OSTEOGENESIS IMPERFECTA WITH BLUE SCLERAE; Osteogenesis imperfecta type 1; Lobstein's Disease; Lobstein disease. Identifiers: Orphanet 216796, Orphanet 666, MedGen C0023931, MONDO:0008146, OMIM 166200. Disease mechanism: loss of function.

gnomAD v4.1: 2 of 1,576,734 alleles (0.00013%); highest among the groups gnomAD compares: African/African-American, 0.0013%; no homozygotes.

Submission:

Labcorp Genetics (formerly Invitae), Labcorp
Classification: Uncertain significance for Osteogenesis imperfecta type I; Ehlers-Danlos syndrome, classic type, 1. Last evaluated: 2022-03-20. Review status: criteria provided, single submitter. Criteria: Invitae Variant Classification Sherloc (09022015). Collection method: clinical testing. Allele origin: germline.
Comment: In summary, the available evidence is currently insufficient to determine the role of this variant in disease. Therefore, it has been classified as a Variant of Uncertain Significance. Advanced modeling of protein sequence and biophysical properties (such as structural, functional, and spatial information, amino acid conservation, physicochemical variation, residue mobility, and thermodynamic stability) performed at Invitae indicates that this missense variant is not expected to disrupt COL1A2 protein function. This variant has not been reported in the literature in individuals affected with COL1A2-related conditions. This variant is not present in population databases (gnomAD no frequency). This sequence change replaces proline, which is neutral and non-polar, with serine, which is neutral and polar, at codon 614 of the COL1A2 protein (p.Pro614Ser).

NM_000089.4(COL1A2):c.1840C>T (p.Pro614Ser)

Gene: COL1A2 (collagen type I alpha 2 chain; plus strand). Cytogenetic location: 7q21.3.
Variant type: single nucleotide variant.
Coding change: c.1840C>T on transcript NM_000089.4 (MANE Select); coding-DNA position 1840, C replaced by T.
Protein change: p.Pro614Ser; replaces proline 614 with serine.
Molecular consequence: missense variant.
Genome position (GRCh38, 1-based): chr7:94,416,480, C>T. VCF-style: chr7-94416480-C-T. GRCh37 (hg19) VCF-style: chr7-94045792-C-T.
Other names: short protein forms P614S.
Identifiers: ClinVar variation 2115331 (VCV002115331.4), dbSNP rs1792044448, ClinGen allele CA368222705.
Genomic context (GRCh38, chr7:94,416,480, plus strand): 5'-CCAGGTGAGAGTGGTGCTGCCGGTCCTACTGGTCCTATTGGAAGCCGAGGTCCTTCTGGA[C>T]CCCCAGGGCCTGATGGAAACAAGGTAAAATCTTATGTTTTCTATATTGCTGGTTTGGCCC-3'
Protein context (NP_000080.2, residues 604-624): GPIGSRGPSG[Pro614Ser]PGPDGNKGEP